The following is an entry in ClinVar:

NM_016366.3(CABP2):c.619G>T (p.Gly207Cys)

Gene: CABP2 (calcium binding protein 2; minus strand). Cytogenetic location: 11q13.2.
Variant type: single nucleotide variant.
Coding change: c.619G>T on transcript NM_016366.3 (MANE Select); coding-DNA position 619, G replaced by T.
Protein change: p.Gly207Cys; replaces glycine 207 with cysteine.
Molecular consequence: missense variant.
Genome position (GRCh38, 1-based): chr11:67,519,811, C>A on the plus strand (G>T on the coding strand, the complement: CABP2 is on the minus strand). VCF-style: chr11-67519811-C-A. GRCh37 (hg19) VCF-style: chr11-67287282-C-A.
Other names: c.637G>T, p.Gly213Cys (NM_001318496.2); c.619G>T (NM_016366.2); short protein forms G207C, G213C.
Identifiers: ClinVar variation 1442960 (VCV001442960.8), dbSNP rs376902077, ClinGen allele CA224144620.

ClinVar aggregate classification (germline): Uncertain significance. Review status: criteria provided, multiple submitters, no conflicts (2 of 4 stars). 2 submissions from 2 submitters: Uncertain significance (2). Last evaluated 2024-01-04.

Conditions:
Inborn genetic diseases. Identifiers: MedGen C0950123, MeSH D030342.

gnomAD v4.1: 11 of 1,613,896 alleles (0.00068%); highest among the groups gnomAD compares: Admixed American, 0.018%; no homozygotes.

Submissions (2):

Ambry Genetics
Classification: Uncertain significance for Inborn genetic diseases. Last evaluated: 2024-01-04. Review status: criteria provided, single submitter. Criteria: Ambry Variant Classification Scheme 2023. Collection method: clinical testing. Allele origin: germline.

Labcorp Genetics (formerly Invitae), Labcorp
Classification: Uncertain significance. Last evaluated: 2021-07-19. Review status: criteria provided, single submitter. Criteria: Invitae Variant Classification Sherloc (09022015). Collection method: clinical testing. Allele origin: germline.
Comment: This sequence change replaces glycine with cysteine at codon 207 of the CABP2 protein (p.Gly207Cys). The glycine residue is highly conserved and there is a large physicochemical difference between glycine and cysteine. This variant is not present in population databases (ExAC no frequency). This variant has not been reported in the literature in individuals affected with CABP2-related conditions. Algorithms developed to predict the effect of missense changes on protein structure and function (SIFT, PolyPhen-2, Align-GVGD) all suggest that this variant is likely to be disruptive. In summary, the available evidence is currently insufficient to determine the role of this variant in disease. Therefore, it has been classified as a Variant of Uncertain Significance.